The following is an entry in ClinVar:

ClinVar aggregate classification (germline): Pathogenic (1 of 4 stars; one submission).

Conditions:
Joubert syndrome and related disorders. Identifiers: Orphanet 140874, MedGen C5679612, MONDO:0015369.

Submission:

Myriad Genetics, Inc.
Classification: Pathogenic for Joubert syndrome and related disorders. Last evaluated: 2025-02-14. Review status: criteria provided, single submitter. Criteria: Myriad Autosomal Dominant, Autosomal Recessive and X-Linked Classification Criteria (2023). Collection method: clinical testing. Allele origin: unknown.
Comment: NM_001080522.2(CC2D2A):c.2429dupG(E811Rfs*54) is expected to be pathogenic in the context of CC2D2A-related disorders. This variant is predicted to lead to an abnormal or absent protein product due to the creation of a premature termination codon in CC2D2A, a gene where loss-of-function variants are known to be pathogenic. Please note: this variant was assessed in the context of healthy population screening.

NM_001378615.1(CC2D2A):c.2429dup (p.Glu811fs)

Genes: CC2D2A (coiled-coil and C2 domain containing 2A; plus strand), FBXL5 (F-box and leucine rich repeat protein 5; minus strand). Cytogenetic location: 4p15.32.
Variant type: Duplication.
Coding change: c.2429dup on transcript NM_001378615.1 (MANE Select); coding-DNA position 2429, one base duplicated (G; older notation c.2429dupG).
Protein change: p.Glu811fs; shifts the reading frame from glutamic acid 811.
Molecular consequence: frameshift variant.
Genome position (GRCh38, 1-based): chr4:15,553,248, G duplicated; the last of 2 consecutive G bases (chr4:15,553,247-15,553,248); duplicating either gives the same sequence. VCF-style (leftmost placement, unchanged base first): chr4-15553246-T-TG. GRCh37 (hg19) VCF-style: chr4-15554869-T-TG.
Other names: c.2429dup, p.Glu811fs (NM_001080522.2); c.2282dup, p.Glu762fs (NM_001378617.1); short protein forms E762fs, E811fs.
Identifiers: ClinVar variation 5014099 (VCV005014099.1).